The following is an entry in ClinVar:

NM_004517.4(ILK):c.436G>C (p.Glu146Gln)

Genes: ILK (integrin linked kinase; plus strand), TAF10 (TATA-box binding protein associated factor 10; minus strand). Cytogenetic location: 11p15.4.
Variant type: single nucleotide variant.
Coding change: c.436G>C on transcript NM_004517.4 (MANE Select); coding-DNA position 436, G replaced by C.
Protein change: p.Glu146Gln; replaces glutamic acid 146 with glutamine.
Molecular consequence: missense variant. On other transcripts: 3 prime UTR variant (1), intron variant (1).
Genome position (GRCh38, 1-based): chr11:6,608,778, G>C. VCF-style: chr11-6608778-G-C. GRCh37 (hg19) VCF-style: chr11-6630008-G-C.
Other names: c.436G>C, p.Glu146Gln (NM_001014794.3, NM_001014795.3); c.34G>C, p.Glu12Gln (NM_001278442.2); c.*2144C>G (NM_006284.4); c.352-106G>C (NM_001278441.2); short protein forms E146Q, E12Q.
Identifiers: ClinVar variation 1422987 (VCV001422987.6), dbSNP rs2134557984, ClinGen allele CA379458659.

ClinVar aggregate classification (germline): Uncertain significance (1 of 4 stars; one submission).

Conditions:
Primary familial hypertrophic cardiomyopathy (HCM). Identifiers: Orphanet 99739, MedGen C0949658, MeSH D024741, MONDO:0024573. Inheritance: Various modes of inheritance.

Allele frequency attached by ClinVar (database versions not stated): gnomAD exomes below 0.00001.
gnomAD v4.1: 1 of 1,613,932 alleles (0.000062%); highest among the groups gnomAD compares: Non-Finnish European, 0.000085%; no homozygotes.

Submission:

Labcorp Genetics (formerly Invitae), Labcorp
Classification: Uncertain significance for Primary familial hypertrophic cardiomyopathy. Last evaluated: 2021-10-12. Review status: criteria provided, single submitter. Criteria: Invitae Variant Classification Sherloc (09022015). Collection method: clinical testing. Allele origin: germline.
Comment: This variant has not been reported in the literature in individuals with ILK-related conditions. This sequence change replaces glutamic acid with glutamine at codon 146 of the ILK protein (p.Glu146Gln). The glutamic acid residue is highly conserved and there is a small physicochemical difference between glutamic acid and glutamine. This variant is not present in population databases (ExAC no frequency). Algorithms developed to predict the effect of missense changes on protein structure and function (SIFT, PolyPhen-2, Align-GVGD) all suggest that this variant is likely to be tolerated, but these predictions have not been confirmed by published functional studies and their clinical significance is uncertain. In summary, the available evidence is currently insufficient to determine the role of this variant in disease. Therefore, it has been classified as a Variant of Uncertain Significance.